The following is an entry in ClinVar:

ClinVar aggregate classification (germline): Uncertain significance. Review status: criteria provided, multiple submitters, no conflicts (2 of 4 stars). 2 submissions from 2 submitters: Uncertain significance (2). Last evaluated 2024-12-06.

Conditions:
Inborn genetic diseases. Identifiers: MedGen C0950123, MeSH D030342.

Allele frequency attached by ClinVar (database versions not stated): TOPMed 0.00003.

Submissions (2):

Ambry Genetics
Classification: Uncertain significance for Inborn genetic diseases. Last evaluated: 2024-12-06. Review status: criteria provided, single submitter. Criteria: Ambry Variant Classification Scheme 2023. Collection method: clinical testing. Allele origin: germline.
Comment: The p.M1471I variant (also known as c.4413G>T), located in coding exon 1 of the SAMD9 gene, results from a G to T substitution at nucleotide position 4413. The methionine at codon 1471 is replaced by isoleucine, an amino acid with highly similar properties. This amino acid position is conserved. In addition, this alteration is predicted to be tolerated by in silico analysis. Based on the available evidence, the clinical significance of this variant remains unclear.

Labcorp Genetics (formerly Invitae), Labcorp
Classification: Uncertain significance. Last evaluated: 2023-12-22. Review status: criteria provided, single submitter. Criteria: Invitae Variant Classification Sherloc (09022015). Collection method: clinical testing. Allele origin: germline.
Comment: This sequence change replaces methionine, which is neutral and non-polar, with isoleucine, which is neutral and non-polar, at codon 1471 of the SAMD9 protein (p.Met1471Ile). This variant is present in population databases (no rsID available, gnomAD 0.008%). This variant has not been reported in the literature in individuals affected with SAMD9-related conditions. Advanced modeling of protein sequence and biophysical properties (such as structural, functional, and spatial information, amino acid conservation, physicochemical variation, residue mobility, and thermodynamic stability) performed at Invitae indicates that this missense variant is not expected to disrupt SAMD9 protein function with a negative predictive value of 95%. In summary, the available evidence is currently insufficient to determine the role of this variant in disease. Therefore, it has been classified as a Variant of Uncertain Significance.

NM_017654.4(SAMD9):c.4413G>T (p.Met1471Ile)

Gene: SAMD9 (sterile alpha motif domain containing 9; minus strand). Cytogenetic location: 7q21.2.
Variant type: single nucleotide variant.
Coding change: c.4413G>T on transcript NM_017654.4 (MANE Select); coding-DNA position 4413, G replaced by T.
Protein change: p.Met1471Ile; replaces methionine 1471 with isoleucine.
Molecular consequence: missense variant.
Genome position (GRCh38, 1-based): chr7:93,101,685, C>A on the plus strand (G>T on the coding strand, the complement: SAMD9 is on the minus strand). VCF-style: chr7-93101685-C-A. GRCh37 (hg19) VCF-style: chr7-92730998-C-A.
Other names: c.4413G>T (NM_017654.3); c.4413G>T, p.Met1471Ile (NM_001193307.2); short protein forms M1471I.
Identifiers: ClinVar variation 2894185 (VCV002894185.4), dbSNP rs978197631, ClinGen allele CA161989375.